The following is an entry in ClinVar:

NM_004357.5(CD151):c.260G>T (p.Arg87Leu)

Gene: CD151 (CD151 molecule (Raph blood group); plus strand). Cytogenetic location: 11p15.5.
Variant type: single nucleotide variant.
Coding change: c.260G>T on transcript NM_004357.5 (MANE Select); coding-DNA position 260, G replaced by T.
Protein change: p.Arg87Leu; replaces arginine 87 with leucine.
Molecular consequence: missense variant.
Genome position (GRCh38, 1-based): chr11:836,426, G>T. VCF-style: chr11-836426-G-T. GRCh37 (hg19) VCF-style: chr11-836426-G-T.
Other names: c.260G>T (NM_004357.4); c.260G>T, p.Arg87Leu (NM_001039490.2, NM_139029.2, NM_139030.4); short protein forms R87L.
Identifiers: ClinVar variation 2708749 (VCV002708749.4), dbSNP rs200217814, ClinGen allele CA5792106.

ClinVar aggregate classification (germline): Likely benign. Review status: criteria provided, multiple submitters, no conflicts (2 of 4 stars). 2 submissions from 2 submitters: Likely benign (2). Last evaluated 2025-08-13.

Conditions:
CD151-related disorder. Also called: CD151-related condition.

Allele frequency attached by ClinVar (database versions not stated): 1000 Genomes Project 30x 0.00109; 1000 Genomes Project 0.00120.
gnomAD v4.1: 98 of 1,608,884 alleles (0.0061%); highest among the groups gnomAD compares: East Asian, 0.13%; no homozygotes.

Submissions (2):

PreventionGenetics, part of Exact Sciences
Classification: Likely benign for CD151-related condition. Last evaluated: 2025-08-13. Review status: criteria provided, single submitter. Criteria: ACMG Guidelines, 2015. Collection method: clinical testing. Allele origin: germline.
Comment: This variant is classified as likely benign based on ACMG/AMP sequence variant interpretation guidelines (Richards et al. 2015 PMID: 25741868, with internal and published modifications).

Labcorp Genetics (formerly Invitae), Labcorp
Classification: Likely benign. Last evaluated: 2025-04-26. Review status: criteria provided, single submitter. Criteria: Invitae Variant Classification Sherloc (09022015). Collection method: clinical testing. Allele origin: germline.